The following is an entry in ClinVar:

NM_003797.5(EED):c.438C>G (p.Asn146Lys)

Gene: EED (embryonic ectoderm development; plus strand). Cytogenetic location: 11q14.2.
Variant type: single nucleotide variant.
Coding change: c.438C>G on transcript NM_003797.5 (MANE Select); coding-DNA position 438, C replaced by G.
Protein change: p.Asn146Lys; replaces asparagine 146 with lysine.
Molecular consequence: missense variant.
Genome position (GRCh38, 1-based): chr11:86,256,398, C>G. VCF-style: chr11-86256398-C-G. GRCh37 (hg19) VCF-style: chr11-85967440-C-G.
Other names: c.438C>G, p.Asn146Lys (NM_001308007.2, NM_001330334.2); short protein forms N146K.
Identifiers: ClinVar variation 577275 (VCV000577275.9), dbSNP rs1565692818, ClinGen allele CA382003896.

ClinVar aggregate classification (germline): Uncertain significance (1 of 4 stars; one submission).

Conditions:
Cohen-Gibson syndrome (COGIS). Also called: EED-Related Overgrowth. Identifiers: Orphanet 659396, MedGen C4479654, MONDO:0060510, OMIM 617561.

Submission:

Labcorp Genetics (formerly Invitae), Labcorp
Classification: Uncertain significance for Cohen-Gibson syndrome. Last evaluated: 2018-08-20. Review status: criteria provided, single submitter. Criteria: Invitae Variant Classification Sherloc (09022015). Collection method: clinical testing. Allele origin: germline.
Comment: This sequence change replaces asparagine with lysine at codon 146 of the EED protein (p.Asn146Lys). The asparagine residue is moderately conserved and there is a moderate physicochemical difference between asparagine and lysine. This variant is not present in population databases (ExAC no frequency). This variant has not been reported in the literature in individuals with EED-related disease. Algorithms developed to predict the effect of missense changes on protein structure and function are either unavailable or do not agree on the potential impact of this missense change (SIFT: "Tolerated"; PolyPhen-2: "Possibly Damaging"; Align-GVGD: "Class C0"). In summary, the available evidence is currently insufficient to determine the role of this variant in disease. Therefore, it has been classified as a Variant of Uncertain Significance.